The following is an entry in ClinVar:

ClinVar aggregate classification (germline): Likely pathogenic. Review status: criteria provided, multiple submitters, no conflicts (2 of 4 stars). 2 submissions from 2 submitters: Likely pathogenic (2). Last evaluated 2025-02-26.

Conditions:
Severe combined immunodeficiency due to DCLRE1C deficiency (RS-SCID). Also called: SCID, AUTOSOMAL RECESSIVE, T CELL-NEGATIVE, B CELL-NEGATIVE, NK CELL-POSITIVE, WITH SENSITIVITY TO IONIZING RADIATION. Identifiers: Orphanet 275, MedGen C1865371, MONDO:0011225, OMIM 602450.

Allele frequency attached by ClinVar (database versions not stated): gnomAD exomes below 0.00001.
gnomAD v4.1: 1 of 1,612,884 alleles (0.000062%); highest among the groups gnomAD compares: Non-Finnish European, 0.000085%; no homozygotes.

Submissions (2):

Labcorp Genetics (formerly Invitae), Labcorp
Classification: Likely pathogenic for Athabaskan severe combined immunodeficiency. Last evaluated: 2025-02-26. Review status: criteria provided, single submitter. Criteria: Invitae Variant Classification Sherloc (09022015). Collection method: clinical testing. Allele origin: germline.
Comment: This sequence change affects a donor splice site in intron 12 of the DCLRE1C gene. It is expected to disrupt RNA splicing. Variants that disrupt the donor or acceptor splice site typically lead to a loss of protein function (PMID: 16199547), and loss-of-function variants in DCLRE1C are known to be pathogenic (PMID: 21664875, 26123418). This variant is not present in population databases (gnomAD no frequency). This variant has not been reported in the literature in individuals affected with DCLRE1C-related conditions. ClinVar contains an entry for this variant (Variation ID: 3064768). Algorithms developed to predict the effect of sequence changes on RNA splicing suggest that this variant may disrupt the consensus splice site. In summary, the currently available evidence indicates that the variant is pathogenic, but additional data are needed to prove that conclusively. Therefore, this variant has been classified as Likely Pathogenic.

Genomic Medicine Center of Excellence, King Faisal Specialist Hospital and Research Centre
Classification: Likely pathogenic for Severe combined immunodeficiency due to DCLRE1C deficiency. Last evaluated: 2024-03-29. Review status: criteria provided, single submitter. Criteria: ACMG Guidelines, 2015. Collection method: clinical testing. Allele origin: germline.

Literature cited by the submitters: PubMed 16199547 (cited by Labcorp Genetics (formerly Invitae), Labcorp); PubMed 21664875 (cited by Labcorp Genetics (formerly Invitae), Labcorp); PubMed 26123418 (cited by Labcorp Genetics (formerly Invitae), Labcorp).

NM_001033855.3(DCLRE1C):c.1061+1G>A

Gene: DCLRE1C (DNA cross-link repair 1C; minus strand). Cytogenetic location: 10p13.
Variant type: single nucleotide variant.
Coding change: c.1061+1G>A on transcript NM_001033855.3 (MANE Select); the canonical splice donor site of the intron after coding-DNA position 1061, G replaced by A.
Molecular consequence: splice donor variant.
Genome position (GRCh38, 1-based): chr10:14,922,980, C>T on the plus strand (G>A on the coding strand, the complement: DCLRE1C is on the minus strand). VCF-style: chr10-14922980-C-T. GRCh37 (hg19) VCF-style: chr10-14964979-C-T.
Other names: c.1061+1G>A (NM_001350965.2); c.701+1G>A (NM_001350967.2, NM_001289077.2, NM_001289079.2 and 2 more transcripts); c.716+1G>A (NM_001289078.2, NM_001289076.2, NM_022487.4 and 1 more transcripts).
Identifiers: ClinVar variation 3064768 (VCV003064768.3), dbSNP rs2491844147, ClinGen allele CA376055466.